The following is an entry in ClinVar:

ClinVar aggregate classification (germline): Pathogenic/Likely pathogenic. Review status: criteria provided, multiple submitters, no conflicts (2 of 4 stars). 6 submissions from 6 submitters: Pathogenic (3); Likely pathogenic (2). 1 of the submissions does not count toward it. Last evaluated 2026-08-04.

Conditions:
Hermansky-Pudlak syndrome (HPS). Also called: ALBINISM WITH HEMORRHAGIC DIATHESIS AND PIGMENTED RETICULOENDOTHELIAL CELLS. Identifiers: Orphanet 79430, MedGen C0079504, MONDO:0019312.
Hermansky-Pudlak syndrome 3 (HPS3). Identifiers: Orphanet 231512, Orphanet 79430, MedGen C3888001, MONDO:0013555, OMIM 614072.

Allele frequency attached by ClinVar (database versions not stated): TOPMed below 0.00001; ExAC 0.00001; gnomAD exomes 0.00001.
gnomAD v4.1: 10 of 1,463,988 alleles (0.00068%); highest among the groups gnomAD compares: Non-Finnish European, 0.00086%; no homozygotes.

Submissions (6):

Myriad Genetics, Inc.
Classification: Pathogenic for Hermansky-Pudlak syndrome 3. Last evaluated: 2026-08-04. Review status: criteria provided, single submitter. Criteria: Myriad Autosomal Dominant, Autosomal Recessive and X-Linked Classification Criteria (2023). Collection method: clinical testing. Allele origin: unknown.
Comment: NM_032383.3(HPS3):c.2482-2A>G is a variant in a canonical splice site classified as pathogenic in the context of Hermansky-Pudlak syndrome, HPS3-related. c.2482-2A>G has been observed in a case with relevant disease (PMID: 11590544). Relevant functional assessments of this variant are not available in the literature. c.2482-2A>G has been observed in referenced population frequency databases. In summary, NM_032383.3(HPS3):c.2482-2A>G is a variant in a canonical splice site in a gene where loss of function is a known mechanism of disease, is predicted to disrupt protein function, and has been observed more frequently in cases with the relevant disease than in healthy populations. Please note: this variant was assessed in the context of healthy population screening.

Mayo Clinic Laboratories, Mayo Clinic
Classification: Likely pathogenic. Last evaluated: 2025-09-08. Review status: criteria provided, single submitter. Criteria: ACMG Guidelines, 2015. Collection method: clinical testing. Allele origin: germline. Observed: 1 variant allele.
Comment: PM2_supporting, PM3_supporting, PVS1_strong

Natera, Inc.
Classification: Likely pathogenic for Hermansky-Pudlak syndrome. Last evaluated: 2025-07-28. Review status: criteria provided, single submitter. Criteria: Natera Variant Classification Schema (03/2026). Collection method: clinical testing. Allele origin: germline.
Comment: The c.2482-2A>G variant in HPS3 is a canonical splice acceptor site variant predicted to affect pre-mRNA splicing, which may result in an abnormal transcript and altered protein product. This variant may result in a truncated or dysfunctional protein product. This variant is rare in the general population with a frequency below the threshold expected for the associated phenotype(s). Functional studies show that this variant may disrupt protein function (PMID: 11590544). Given the available evidence, this variant is classified as Likely Pathogenic.

Baylor Genetics
Classification: Pathogenic for Hermansky-Pudlak syndrome 3. Last evaluated: 2024-01-30. Review status: criteria provided, single submitter. Criteria: ACMG Guidelines, 2015. Collection method: clinical testing. Allele origin: unknown.

Labcorp Genetics (formerly Invitae), Labcorp
Classification: Pathogenic. Last evaluated: 2022-11-29. Review status: criteria provided, single submitter. Criteria: Invitae Variant Classification Sherloc (09022015). Collection method: clinical testing. Allele origin: germline.
Comment: This variant is present in population databases (rs397507168, gnomAD 0.002%). This sequence change affects an acceptor splice site in intron 13 of the HPS3 gene. It is expected to disrupt RNA splicing. Variants that disrupt the donor or acceptor splice site typically lead to a loss of protein function (PMID: 16199547), and loss-of-function variants in HPS3 are known to be pathogenic (PMID: 11590544). Disruption of this splice site has been observed in individual(s) with Hermansky-Pudlak syndrome (PMID: 11590544). For these reasons, this variant has been classified as Pathogenic. Algorithms developed to predict the effect of sequence changes on RNA splicing suggest that this variant may disrupt the consensus splice site. ClinVar contains an entry for this variant (Variation ID: 4611). This variant is also known as 2621-2A>G.

OMIM
Classification: Pathogenic for HERMANSKY-PUDLAK SYNDROME 3. Last evaluated: 2001-11-01. Review status: no assertion criteria provided. Collection method: literature only. Allele origin: germline. Not counted in ClinVar's aggregate classification.

Literature cited by the submitters: PubMed 11590544 (cited by 5 submitters); PubMed 16199547 (cited by Labcorp Genetics (formerly Invitae), Labcorp).

NM_032383.5(HPS3):c.2482-2A>G

Genes: CP (ceruloplasmin; minus strand), HPS3 (HPS3 biogenesis of lysosomal organelles complex 2 subunit 1; plus strand). Cytogenetic location: 3q24.
Variant type: single nucleotide variant.
Coding change: c.2482-2A>G on transcript NM_032383.5 (MANE Select); the canonical splice acceptor site of the intron before coding-DNA position 2482, A replaced by G.
Molecular consequence: splice acceptor variant.
Genome position (GRCh38, 1-based): chr3:149,163,840, A>G. VCF-style: chr3-149163840-A-G. GRCh37 (hg19) VCF-style: chr3-148881627-A-G.
Other names: 2621-2A-G; c.1987-2A>G (NM_001308258.2).
Identifiers: ClinVar variation 4611 (VCV000004611.17), dbSNP rs397507168, ClinGen allele CA340271.